The following is an entry in ClinVar:

ClinVar aggregate classification (germline): Benign. Review status: criteria provided, multiple submitters, no conflicts (2 of 4 stars). 8 submissions from 8 submitters: Benign (6). 2 of the submissions do not count toward it. Last evaluated 2026-02-03.

Conditions:
Neonatal-onset encephalopathy with rigidity and seizures. Also called: Lethal neonatal spasticity-epileptic encephalopathy syndrome. Identifiers: Orphanet 435845, MedGen C3281029, MONDO:0013784, OMIM 614498.

Allele frequency attached by ClinVar (database versions not stated): ESP Exome Variant Server 0.35401; gnomAD exomes 0.38533; ExAC 0.39904; 1000 Genomes Project 30x 0.46377; TOPMed 0.44690; gnomAD 0.45541; 1000 Genomes Project 0.46086.
gnomAD v4.1: 577,628 of 1,597,032 alleles (36%); highest among the groups gnomAD compares: African/African-American, 67%; 109,578 homozygotes.

Submissions (8):

Labcorp Genetics (formerly Invitae), Labcorp
Classification: Benign for Neonatal-onset encephalopathy with rigidity and seizures. Last evaluated: 2026-02-03. Review status: criteria provided, single submitter. Criteria: Invitae Variant Classification Sherloc (09022015). Collection method: clinical testing. Allele origin: germline.

Blueprint Genetics
Classification: Benign. Last evaluated: 2024-11-27. Review status: criteria provided, single submitter. Criteria: ACMG Guidelines, 2015. Collection method: clinical testing. Allele origin: germline.

Unidad de Genómica Garrahan, Hospital de Pediatría Garrahan
Classification: Benign. Last evaluated: 2024-07-15. Review status: criteria provided, single submitter. Criteria: ACMG Guidelines, 2015. Collection method: clinical testing. Allele origin: germline. Affected: no. Observed: 57 variant alleles.
Comment: This variant is classified as Benign based on local population frequency. This variant was detected in 61% of patients studied in a panel designed for Epileptic and Developmental Encephalopathy and Progressive Myoclonus Epilepsy. Number of patients: 57. Only high quality variants are reported.

Mayo Clinic Laboratories, Mayo Clinic
Classification: Benign. Last evaluated: 2021-11-29. Review status: criteria provided, single submitter. Criteria: ACMG Guidelines, 2015. Collection method: clinical testing. Allele origin: germline. Observed: 165 variant alleles.

GeneDx
Classification: Benign. Last evaluated: 2018-07-17. Review status: criteria provided, single submitter. Criteria: GeneDx Variant Classification Process June 2021. Collection method: clinical testing. Allele origin: germline. Affected: yes.

Athena Diagnostics
Classification: Benign. Last evaluated: 2017-04-20. Review status: criteria provided, single submitter. Criteria: Athena Diagnostics Criteria. Collection method: clinical testing. Allele origin: germline.

Diagnostic Laboratory, Department of Genetics, University Medical Center Groningen
Classification: Benign. Review status: no assertion criteria provided. Collection method: clinical testing. Allele origin: germline. Affected: yes. Study: VKGL Data-share Consensus. Not counted in ClinVar's aggregate classification.

Joint Genome Diagnostic Labs from Nijmegen and Maastricht, Radboudumc and MUMC+
Classification: Benign. Review status: no assertion criteria provided. Collection method: clinical testing. Allele origin: germline. Affected: yes. Study: VKGL Data-share Consensus. Not counted in ClinVar's aggregate classification.

NM_152743.4(BRAT1):c.1932A>G (p.Arg644=)

Gene: BRAT1 (BRCA1 associated ATM activator 1; minus strand). Cytogenetic location: 7p22.3.
Variant type: single nucleotide variant.
Coding change: c.1932A>G on transcript NM_152743.4 (MANE Select); coding-DNA position 1932, A replaced by G.
Protein change: p.Arg644=; no amino-acid change (arginine 644 retained).
Molecular consequence: synonymous variant. On other transcripts: non-coding transcript variant (1).
Genome position (GRCh38, 1-based): chr7:2,538,603, T>C on the plus strand (A>G on the coding strand, the complement: BRAT1 is on the minus strand). VCF-style: chr7-2538603-T-C. GRCh37 (hg19) VCF-style: chr7-2578237-T-C.
Other names: p.Arg644=; c.2112A>G, p.Arg704= (NM_001350626.2); c.1407A>G, p.Arg469= (NM_001350627.2).
Identifiers: ClinVar variation 585489 (VCV000585489.22), dbSNP rs4719552, ClinGen allele CA4127510.